The following is an entry in ClinVar:

NM_006033.4(LIPG):c.671G>A (p.Arg224His)

Gene: LIPG (lipase G, endothelial type; plus strand). Cytogenetic location: 18q21.1.
Variant type: single nucleotide variant.
Coding change: c.671G>A on transcript NM_006033.4 (MANE Select); coding-DNA position 671, G replaced by A.
Protein change: p.Arg224His; replaces arginine 224 with histidine.
Molecular consequence: missense variant. On other transcripts: intron variant (1).
Genome position (GRCh38, 1-based): chr18:49,575,468, G>A. VCF-style: chr18-49575468-G-A. GRCh37 (hg19) VCF-style: chr18-47101838-G-A.
Other names: c.571+5920G>A (NM_001308006.2); short protein forms R224H.
Identifiers: ClinVar variation 1422915 (VCV001422915.6), dbSNP rs142545730, ClinGen allele CA8959188.

ClinVar aggregate classification (germline): Uncertain significance (1 of 4 stars; one submission).

Allele frequency attached by ClinVar (database versions not stated): TOPMed 0.00024; gnomAD exomes 0.00031 and 0.00016; gnomAD 0.00012 and 0.00013; ESP Exome Variant Server 0.00015; ExAC 0.00016.
gnomAD v4.1: 467 of 1,614,064 alleles (0.029%); highest among the groups gnomAD compares: East Asian, 0.038%; no homozygotes.

Submission:

Labcorp Genetics (formerly Invitae), Labcorp
Classification: Uncertain significance. Last evaluated: 2025-05-28. Review status: criteria provided, single submitter. Criteria: Invitae Variant Classification Sherloc (09022015). Collection method: clinical testing. Allele origin: germline.
Comment: This sequence change replaces arginine, which is basic and polar, with histidine, which is basic and polar, at codon 224 of the LIPG protein (p.Arg224His). This variant is present in population databases (rs142545730, gnomAD 0.04%), and has an allele count higher than expected for a pathogenic variant. This variant has not been reported in the literature in individuals affected with LIPG-related conditions. ClinVar contains an entry for this variant (Variation ID: 1422915). An algorithm developed to predict the effect of missense changes on protein structure and function (PolyPhen-2) suggests that this variant is likely to be tolerated. In summary, the available evidence is currently insufficient to determine the role of this variant in disease. Therefore, it has been classified as a Variant of Uncertain Significance.